The following is an entry in ClinVar:

ClinVar aggregate classification (germline): Uncertain significance. Review status: criteria provided, multiple submitters, no conflicts (2 of 4 stars). 2 submissions from 2 submitters: Uncertain significance (2). Last evaluated 2025-12-15.

Submissions (2):

Labcorp Genetics (formerly Invitae), Labcorp
Classification: Uncertain significance. Last evaluated: 2025-12-15. Review status: criteria provided, single submitter. Criteria: Invitae Variant Classification Sherloc (09022015). Collection method: clinical testing. Allele origin: germline.
Comment: This sequence change creates a premature translational stop signal (p.Leu986Cysfs*13) in the MERTK gene. While this is not anticipated to result in nonsense mediated decay, it is expected to disrupt the last 14 amino acid(s) of the MERTK protein. This variant is present in population databases (rs763144375, gnomAD 0.002%). This variant has not been reported in the literature in individuals affected with MERTK-related conditions. Experimental studies and prediction algorithms are not available or were not evaluated, and the functional significance of this variant is currently unknown. In summary, the available evidence is currently insufficient to determine the role of this variant in disease. Therefore, it has been classified as a Variant of Uncertain Significance.

Blueprint Genetics
Classification: Uncertain significance. Last evaluated: 2020-03-04. Review status: criteria provided, single submitter. Criteria: ACMG Guidelines, 2015. Collection method: clinical testing. Allele origin: germline.

NM_006343.3(MERTK):c.2957del (p.Leu986fs)

Gene: MERTK (MER proto-oncogene, tyrosine kinase; plus strand). Cytogenetic location: 2q13.
Variant type: Deletion.
Coding change: c.2957del on transcript NM_006343.3 (MANE Select); coding-DNA position 2957, one base deleted (T; older notation c.2957delT).
Protein change: p.Leu986fs; shifts the reading frame from leucine 986.
Molecular consequence: frameshift variant.
Genome position (GRCh38, 1-based): chr2:112,028,821, T deleted; the last of 4 consecutive T bases (chr2:112,028,818-112,028,821); deleting any one gives the same sequence. VCF-style (leftmost placement, unchanged base first): chr2-112028817-CT-C. GRCh37 (hg19) VCF-style: chr2-112786394-CT-C.
Other names: short protein forms L986fs.
Identifiers: ClinVar variation 4737393 (VCV004737393.2), dbSNP rs763144375.